The following is an entry in ClinVar:

ClinVar aggregate classification (germline): Uncertain significance (1 of 4 stars; one submission).

Allele frequency attached by ClinVar (database versions not stated): ExAC 0.00001; gnomAD 0.00001; gnomAD exomes 0.00001; TOPMed 0.00001.
gnomAD v4.1: 10 of 1,613,924 alleles (0.00062%); highest among the groups gnomAD compares: East Asian, 0.0045%; no homozygotes.

Submission:

Labcorp Genetics (formerly Invitae), Labcorp
Classification: Uncertain significance. Last evaluated: 2022-07-16. Review status: criteria provided, single submitter. Criteria: Invitae Variant Classification Sherloc (09022015). Collection method: clinical testing. Allele origin: germline.
Comment: In summary, the available evidence is currently insufficient to determine the role of this variant in disease. Therefore, it has been classified as a Variant of Uncertain Significance. Algorithms developed to predict the effect of missense changes on protein structure and function are either unavailable or do not agree on the potential impact of this missense change (SIFT: "Not Available"; PolyPhen-2: "Possibly Damaging"; Align-GVGD: "Not Available"). This variant has not been reported in the literature in individuals affected with VPS13D-related conditions. This variant is present in population databases (rs770439949, gnomAD 0.003%). This sequence change replaces arginine, which is basic and polar, with tryptophan, which is neutral and slightly polar, at codon 284 of the VPS13D protein (p.Arg284Trp).

NM_015378.4(VPS13D):c.850C>T (p.Arg284Trp)

Gene: VPS13D (vacuolar protein sorting 13 homolog D; plus strand). Cytogenetic location: 1p36.22.
Variant type: single nucleotide variant.
Coding change: c.850C>T on transcript NM_015378.4 (MANE Select); coding-DNA position 850, C replaced by T.
Protein change: p.Arg284Trp; replaces arginine 284 with tryptophan.
Molecular consequence: missense variant.
Genome position (GRCh38, 1-based): chr1:12,256,996, C>T. VCF-style: chr1-12256996-C-T. GRCh37 (hg19) VCF-style: chr1-12317053-C-T.
Other names: c.850C>T, p.Arg284Trp (NM_018156.4); short protein forms R284W.
Identifiers: ClinVar variation 1956703 (VCV001956703.3), dbSNP rs770439949, ClinGen allele CA601340.
Genomic context (GRCh38, chr1:12,256,996, plus strand): 5'-AAAAGAAACAAACCTATTCTAACCTAGTATCTCTTAACCTCTAATACAAAGCTGCAATAC[C>T]GGCAAATCATGGAATTCCTCAAGGAGCTGGAACGAAAGGAGAGGCAGGTGAAGTTCCGAA-3'
Protein context (NP_056193.2, residues 274-294): IPLKLSQLQY[Arg284Trp]QIMEFLKELE